The following is an entry in ClinVar:

NM_003571.4(BFSP2):c.720C>T (p.Asn240=)

Genes: BFSP2 (beaded filament structural protein 2; plus strand), BFSP2-AS1 (BFSP2 antisense RNA 1; minus strand). Cytogenetic location: 3q22.1.
Variant type: single nucleotide variant.
Coding change: c.720C>T on transcript NM_003571.4 (MANE Select); coding-DNA position 720, C replaced by T.
Protein change: p.Asn240=; no amino-acid change (asparagine 240 retained).
Molecular consequence: synonymous variant.
Genome position (GRCh38, 1-based): chr3:133,448,636, C>T. VCF-style: chr3-133448636-C-T. GRCh37 (hg19) VCF-style: chr3-133167480-C-T.
Other names: c.720C>T (NM_003571.3).
Identifiers: ClinVar variation 903007 (VCV000903007.14), dbSNP rs376911067, ClinGen allele CA2623337.

ClinVar aggregate classification (germline): Benign. Review status: criteria provided, multiple submitters, no conflicts (2 of 4 stars). 3 submissions from 3 submitters: Benign (2). 1 of the submissions does not count toward it. Last evaluated 2020-10-05.

Conditions:
Cataract 12 multiple types. Identifiers: Orphanet 91492, MedGen C3808115, MONDO:0012701, OMIM 611597.
BFSP2-related disorder. Also called: BFSP2-related condition.

Allele frequency attached by ClinVar (database versions not stated): ESP Exome Variant Server 0.00015; gnomAD 0.00019 and 0.00025; TOPMed 0.00022; gnomAD exomes 0.00044 and 0.00050; ExAC 0.00062; 1000 Genomes Project 30x 0.00078; 1000 Genomes Project 0.00080.
gnomAD v4.1: 697 of 1,613,680 alleles (0.043%); highest among the groups gnomAD compares: South Asian, 0.28%; 4 homozygotes.

Submissions (3):

Labcorp Genetics (formerly Invitae), Labcorp
Classification: Benign for Cataract 12 multiple types. Last evaluated: 2020-10-05. Review status: criteria provided, single submitter. Criteria: Invitae Variant Classification Sherloc (09022015). Collection method: clinical testing. Allele origin: germline.

Illumina Laboratory Services, Illumina
Classification: Benign for Cataract 12 multiple types. Last evaluated: 2018-01-12. Review status: criteria provided, single submitter. Criteria: ICSL Variant Classification Criteria 13 December 2019. Collection method: clinical testing. Allele origin: germline.
Comment: This variant was observed in the ICSL laboratory as part of a predisposition screen in an ostensibly healthy population. It had not been previously curated by ICSL or reported in the Human Gene Mutation Database (HGMD: prior to June 1st, 2018), and was therefore a candidate for classification through an automated scoring system. Utilizing variant allele frequency, disease prevalence and penetrance estimates, and inheritance mode, an automated score was calculated to assess if this variant is too frequent to cause the disease. Based on the score and internal cut-off values, a variant classified as benign is not then subjected to further curation. The score for this variant resulted in a classification of benign for this disease.

PreventionGenetics, part of Exact Sciences
Classification: Likely benign for BFSP2-related condition. Last evaluated: 2021-12-24. Review status: no assertion criteria provided. Collection method: clinical testing. Allele origin: germline. Not counted in ClinVar's aggregate classification.
Comment: This variant is classified as likely benign based on ACMG/AMP sequence variant interpretation guidelines (Richards et al. 2015 PMID: 25741868, with internal and published modifications).